The following is an entry in ClinVar:

NM_001805.4(CEBPE):c.403C>T (p.Arg135Ter)

Gene: CEBPE (CCAAT enhancer binding protein epsilon; minus strand). Cytogenetic location: 14q11.2.
Variant type: single nucleotide variant.
Coding change: c.403C>T on transcript NM_001805.4 (MANE Select); coding-DNA position 403, C replaced by T.
Protein change: p.Arg135Ter; replaces arginine 135 with a stop codon.
Molecular consequence: nonsense.
Genome position (GRCh38, 1-based): chr14:23,118,689, G>A on the plus strand (C>T on the coding strand, the complement: CEBPE is on the minus strand). VCF-style: chr14-23118689-G-A. GRCh37 (hg19) VCF-style: chr14-23587898-G-A.
Other names: R135*.
Identifiers: ClinVar variation 1705853 (VCV001705853.4), dbSNP rs775036569, ClinGen allele CA7111221.

ClinVar aggregate classification (germline): Pathogenic. Review status: criteria provided, single submitter (1 of 4 stars). 2 submissions from 2 submitters: Pathogenic (1). 1 of the submissions does not count toward it. Last evaluated 2022-10-27.

Conditions:
Specific granule deficiency 1 (SGD1). Also called: LACTOFERRIN-DEFICIENT NEUTROPHILS; NEUTROPHIL LACTOFERRIN DEFICIENCY. Identifiers: Orphanet 169142, MedGen C4551556, MONDO:0044207, OMIM 245480.
Specific granule deficiency. Identifiers: Orphanet 169142, MedGen C0398593, MONDO:0009506.

Allele frequency attached by ClinVar (database versions not stated): TOPMed below 0.00001; ExAC 0.00002.

Submissions (2):

Labcorp Genetics (formerly Invitae), Labcorp
Classification: Pathogenic for Specific granule deficiency. Last evaluated: 2022-10-27. Review status: criteria provided, single submitter. Criteria: Invitae Variant Classification Sherloc (09022015). Collection method: clinical testing. Allele origin: germline.
Comment: ClinVar contains an entry for this variant (Variation ID: 1705853). This sequence change creates a premature translational stop signal (p.Arg135*) in the CEBPE gene. It is expected to result in an absent or disrupted protein product. Loss-of-function variants in CEBPE are known to be pathogenic (PMID: 11313242, 11435463). This variant is present in population databases (rs775036569, gnomAD 0.002%). This premature translational stop signal has been observed in individual(s) with specific granule deficiency (PMID: 32391290). For these reasons, this variant has been classified as Pathogenic.

OMIM
Classification: Pathogenic for SPECIFIC GRANULE DEFICIENCY 1. Last evaluated: 2022-09-15. Review status: no assertion criteria provided. Collection method: literature only. Allele origin: germline. Not counted in ClinVar's aggregate classification.

Literature cited by the submitters: PubMed 11313242 (cited by Labcorp Genetics (formerly Invitae), Labcorp); PubMed 11435463 (cited by Labcorp Genetics (formerly Invitae), Labcorp); PubMed 32391290 (cited by Labcorp Genetics (formerly Invitae), Labcorp and OMIM).